The following is an entry in ClinVar:

NM_001003694.2(BRPF1):c.2443G>A (p.Ala815Thr)

Gene: BRPF1 (bromodomain and PHD finger containing 1; plus strand). Cytogenetic location: 3p25.3.
Variant type: single nucleotide variant.
Coding change: c.2443G>A on transcript NM_001003694.2 (MANE Select); coding-DNA position 2443, G replaced by A.
Protein change: p.Ala815Thr; replaces alanine 815 with threonine.
Molecular consequence: missense variant. On other transcripts: non-coding transcript variant (1).
Genome position (GRCh38, 1-based): chr3:9,743,709, G>A. VCF-style: chr3-9743709-G-A. GRCh37 (hg19) VCF-style: chr3-9785393-G-A.
Other names: c.2425G>A, p.Ala809Thr (NM_001319049.2, NM_001437892.1, NM_004634.3); c.2422G>A, p.Ala808Thr (NM_001319050.2, NM_001438342.1, NM_001438343.1 and 1 more transcripts); c.2440G>A, p.Ala814Thr (NM_001410704.1, NM_001438345.1); c.2443G>A, p.Ala815Thr (NM_001438344.1); short protein forms A808T, A809T, A814T, A815T.
Identifiers: ClinVar variation 4538220 (VCV004538220.1).

ClinVar aggregate classification (germline): Uncertain significance (1 of 4 stars; one submission).

Submission:

Greenwood Genetic Center Diagnostic Laboratories, Greenwood Genetic Center
Classification: Uncertain significance. Last evaluated: 2025-05-07. Review status: criteria provided, single submitter. Criteria: ACMG Guidelines, 2015. Collection method: clinical testing. Allele origin: germline. Affected: yes.
Comment: PM2, BP4, PP2